The following is an entry in ClinVar:

ClinVar aggregate classification (germline): Uncertain significance (1 of 4 stars; one submission).

Submission:

Labcorp Genetics (formerly Invitae), Labcorp
Classification: Uncertain significance. Last evaluated: 2025-01-27. Review status: criteria provided, single submitter. Criteria: Invitae Variant Classification Sherloc (09022015). Collection method: clinical testing. Allele origin: germline.
Comment: This sequence change creates a premature translational stop signal (p.Leu562*) in the SRP72 gene. It is expected to result in an absent or disrupted protein product. However, the current clinical and genetic evidence is not sufficient to establish whether loss-of-function variants in SRP72 cause disease. This variant is not present in population databases (gnomAD no frequency). This variant has not been reported in the literature in individuals affected with SRP72-related conditions. In summary, the available evidence is currently insufficient to determine the role of this variant in disease. Therefore, it has been classified as a Variant of Uncertain Significance.

NM_006947.4(SRP72):c.1685T>A (p.Leu562Ter)

Gene: SRP72 (signal recognition particle 72; plus strand). Cytogenetic location: 4q12.
Variant type: single nucleotide variant.
Coding change: c.1685T>A on transcript NM_006947.4 (MANE Select); coding-DNA position 1685, T replaced by A.
Protein change: p.Leu562Ter; replaces leucine 562 with a stop codon.
Molecular consequence: nonsense. On other transcripts: non-coding transcript variant (1).
Genome position (GRCh38, 1-based): chr4:56,500,542, T>A. VCF-style: chr4-56500542-T-A. GRCh37 (hg19) VCF-style: chr4-57366708-T-A.
Other names: c.1502T>A, p.Leu501Ter (NM_001267722.2); short protein forms L501*, L562*.
Identifiers: ClinVar variation 4711934 (VCV004711934.1).
Genomic context (GRCh38, chr4:56,500,542, plus strand): 5'-ACTATCTTGAAAATATTATGACACATCTCTCATTTCTTTATAATCGTTATGCAGGAAAAT[T>A]GCCTAAGAATTATGACCCAAAAGTTACCCCAGATCCAGAAAGATGGCTGCCAATGCGAGA-3'